The following is an entry in ClinVar:

NM_000051.4(ATM):c.6071G>T (p.Gly2024Val)

Genes: ATM (ATM serine/threonine kinase; plus strand), C11orf65 (chromosome 11 open reading frame 65; minus strand). Cytogenetic location: 11q22.3.
Variant type: single nucleotide variant.
Coding change: c.6071G>T on transcript NM_000051.4 (MANE Select); coding-DNA position 6071, G replaced by T.
Protein change: p.Gly2024Val; replaces glycine 2024 with valine.
Molecular consequence: missense variant. On other transcripts: intron variant (2).
Genome position (GRCh38, 1-based): chr11:108,315,887, G>T. VCF-style: chr11-108315887-G-T. GRCh37 (hg19) VCF-style: chr11-108186614-G-T.
Other names: c.6071G>T, p.Gly2024Val (NM_001351834.2); c.641-6816C>A (NM_001330368.2); c.*39-6816C>A (NM_001351110.2); short protein forms G2024V.
Identifiers: ClinVar variation 5031262 (VCV005031262.1).

ClinVar aggregate classification (germline): Uncertain significance (1 of 4 stars; one submission).

Conditions:
Hereditary cancer-predisposing syndrome. Also called: Neoplastic Syndromes, Hereditary; Tumor predisposition; Hereditary neoplastic syndrome; Hereditary Cancer Syndrome. Identifiers: Orphanet 140162, MedGen C0027672, MeSH D009386, MONDO:0015356.

Submission:

Ambry Genetics
Classification: Uncertain significance for Hereditary cancer-predisposing syndrome. Last evaluated: 2026-06-18. Review status: criteria provided, single submitter. Criteria: Ambry Variant Classification Scheme 2023. Collection method: clinical testing. Allele origin: germline.
Comment: The p.G2024V variant (also known as c.6071G>T), located in coding exon 40 of the ATM gene, results from a G to T substitution at nucleotide position 6071. The glycine at codon 2024 is replaced by valine, an amino acid with dissimilar properties. In an assay testing ATM function, this variant showed a functionally abnormal result (Lee KS et al. Cell, 2025 Sep;188:5081-5099.e27). This amino acid position is well conserved in available vertebrate species. In addition, this alteration is predicted to be tolerated by in silico analysis. Based on the available evidence, the clinical significance of this variant remains unclear.

Literature cited by the submitters: PubMed 40580951.